The following is an entry in ClinVar:

NM_013339.4(ALG6):c.947_950del (p.Leu316fs)

Gene: ALG6 (ALG6 alpha-1,3-glucosyltransferase; plus strand). Cytogenetic location: 1p31.3.
Variant type: Deletion.
Coding change: c.947_950del on transcript NM_013339.4 (MANE Select); coding-DNA positions 947 to 950, 4 bases deleted (TAAT; older notation c.947_950delTAAT).
Protein change: p.Leu316fs; shifts the reading frame from leucine 316.
Molecular consequence: frameshift variant.
Genome position (GRCh38, 1-based): chr1:63,415,917-63,415,920, TAAT deleted; deleting any 4 consecutive bases within chr1:63,415,914-63,415,920 gives the same sequence; the c. name uses the placement nearest the transcript's 3' end. VCF-style (leftmost placement, unchanged base first): chr1-63415913-AAATT-A. GRCh37 (hg19) VCF-style: chr1-63881584-AAATT-A.
Other names: short protein forms L316fs.
Identifiers: ClinVar variation 1725156 (VCV001725156.2), dbSNP rs2523760673, ClinGen allele CA2580063144.
Genomic context (GRCh38, chr1:63,415,913, plus strand): 5'-GATTTGTATTAATTTTTTAGCTTTTGTTCTACGTTTTTGAGCCTGCTTCCTGCATGCATA[AAATT>A]AATACTTCAGCCCTCTTCCAAAGGATTCAAATTTACACTGGTAAGTTTTTCATTACTTTA-3'

ClinVar aggregate classification (germline): Likely pathogenic (1 of 4 stars; one submission).

Conditions:
ALG6-congenital disorder of glycosylation 1C (CDG1C). Also called: Congenital disorder of glycosylation, type Ic; Congenital disorder of glycosylation type 1C; CDG Ic; CARBOHYDRATE-DEFICIENT GLYCOPROTEIN SYNDROME, TYPE I, WITH DEFICIENT GLYCOSYLATION OF DOLICHOL-LINKED OLIGOSACCHARIDE; CARBOHYDRATE-DEFICIENT GLYCOPROTEIN SYNDROME, TYPE V. Identifiers: Orphanet 79320, MedGen C2930997, MONDO:0011291, OMIM 603147.

Submission:

Myriad Genetics, Inc.
Classification: Likely pathogenic for ALG6-congenital disorder of glycosylation 1C. Last evaluated: 2022-03-10. Review status: criteria provided, single submitter. Criteria: Myriad Women's Health Autosomal Recessive and X-Linked Classification Criteria (2021). Collection method: clinical testing. Allele origin: unknown.
Comment: NM_013339.3(ALG6):c.947_950delTAAT(L316Yfs*41) is expected to be pathogenic in the context of congenital disorder of glycosylation type Ic. This variant is predicted to lead to an abnormal or absent protein product due to the creation of a premature termination codon in ALG6, a gene where loss-of-function variants are known to be pathogenic. Please note: this variant was assessed in the context of healthy population screening.